The following is an entry in ClinVar:

ClinVar aggregate classification (germline): Uncertain significance (1 of 4 stars; one submission).

Conditions:
Cardiovascular phenotype. Identifiers: MedGen CN230736.

gnomAD v4.1: 13 of 1,612,462 alleles (0.00081%); highest among the groups gnomAD compares: East Asian, 0.0022%; no homozygotes.

Submission:

Ambry Genetics
Classification: Uncertain significance for Cardiovascular phenotype. Last evaluated: 2025-03-23. Review status: criteria provided, single submitter. Criteria: Ambry Variant Classification Scheme 2023. Collection method: clinical testing. Allele origin: germline.
Comment: The p.E694K variant (also known as c.2080G>A), located in coding exon 13 of the SCN10A gene, results from a G to A substitution at nucleotide position 2080. The glutamic acid at codon 694 is replaced by lysine, an amino acid with similar properties. This amino acid position is conserved. In addition, the in silico prediction for this alteration is inconclusive. Based on the available evidence, the clinical significance of this variant remains unclear.

NM_006514.4(SCN10A):c.2080G>A (p.Glu694Lys)

Gene: SCN10A (sodium voltage-gated channel alpha subunit 10; minus strand). Cytogenetic location: 3p22.2.
Variant type: single nucleotide variant.
Coding change: c.2080G>A on transcript NM_006514.4 (MANE Select); coding-DNA position 2080, G replaced by A.
Protein change: p.Glu694Lys; replaces glutamic acid 694 with lysine.
Molecular consequence: missense variant.
Genome position (GRCh38, 1-based): chr3:38,742,317, C>T on the plus strand (G>A on the coding strand, the complement: SCN10A is on the minus strand). VCF-style: chr3-38742317-C-T. GRCh37 (hg19) VCF-style: chr3-38783808-C-T.
Other names: c.2080G>A, p.Glu694Lys (NM_001293306.2); c.1786G>A, p.Glu596Lys (NM_001293307.2); short protein forms E694K, E596K.
Identifiers: ClinVar variation 3950845 (VCV003950845.1).